The following is an entry in ClinVar:

NM_000400.4(ERCC2):c.1403C>T (p.Pro468Leu)

Gene: ERCC2 (ERCC excision repair 2, TFIIH core complex helicase subunit; minus strand). Cytogenetic location: 19q13.32.
Variant type: single nucleotide variant.
Coding change: c.1403C>T on transcript NM_000400.4 (MANE Select); coding-DNA position 1403, C replaced by T.
Protein change: p.Pro468Leu; replaces proline 468 with leucine.
Molecular consequence: missense variant.
Genome position (GRCh38, 1-based): chr19:45,357,346, G>A on the plus strand (C>T on the coding strand, the complement: ERCC2 is on the minus strand). VCF-style: chr19-45357346-G-A. GRCh37 (hg19) VCF-style: chr19-45860604-G-A.
Other names: short protein forms P468L.
Identifiers: ClinVar variation 2185564 (VCV002185564.2), dbSNP rs777108823, ClinGen allele CA9513301.
Genomic context (GRCh38, chr19:45,357,346, plus strand): 5'-ACCCGTGCCAGCGTCATGGTGAAGGTTGCCATGGTGACGGGGTGGAAGTCCAGGATCTTG[G>A]GGTAGATGTCCAGCGGGGACAGTGTCTGTGGCGGGACAGTGGGAGGGATCTCAGCAGGAC-3'
Protein context (NP_000391.1, residues 458-478): SGTLSPLDIY[Pro468Leu]KILDFHPVTM

ClinVar aggregate classification (germline): Uncertain significance (1 of 4 stars; one submission).

Allele frequency attached by ClinVar (database versions not stated): gnomAD exomes 0.00001; ExAC 0.00002; TOPMed 0.00002.

Submission:

Labcorp Genetics (formerly Invitae), Labcorp
Classification: Uncertain significance. Last evaluated: 2024-04-15. Review status: criteria provided, single submitter. Criteria: Invitae Variant Classification Sherloc (09022015). Collection method: clinical testing. Allele origin: germline.
Comment: This sequence change replaces proline, which is neutral and non-polar, with leucine, which is neutral and non-polar, at codon 468 of the ERCC2 protein (p.Pro468Leu). This variant is present in population databases (rs777108823, gnomAD 0.003%). This variant has not been reported in the literature in individuals affected with ERCC2-related conditions. ClinVar contains an entry for this variant (Variation ID: 2185564). Advanced modeling of protein sequence and biophysical properties (such as structural, functional, and spatial information, amino acid conservation, physicochemical variation, residue mobility, and thermodynamic stability) performed at Invitae indicates that this missense variant is expected to disrupt ERCC2 protein function with a positive predictive value of 80%. In summary, the available evidence is currently insufficient to determine the role of this variant in disease. Therefore, it has been classified as a Variant of Uncertain Significance.